The following is an entry in ClinVar:

NM_003031.4(SIAH1):c.289C>A (p.Pro97Thr)

Genes: LONP2 (lon peptidase 2, peroxisomal; plus strand), SIAH1 (siah E3 ubiquitin protein ligase 1; minus strand). Cytogenetic location: 16q12.1.
Variant type: single nucleotide variant.
Coding change: c.289C>A on transcript NM_003031.4 (MANE Select); coding-DNA position 289, C replaced by A.
Protein change: p.Pro97Thr; replaces proline 97 with threonine.
Molecular consequence: missense variant. On other transcripts: 3 prime UTR variant (1).
Genome position (GRCh38, 1-based): chr16:48,362,140, G>T on the plus strand (C>A on the coding strand, the complement: SIAH1 is on the minus strand). VCF-style: chr16-48362140-G-T. GRCh37 (hg19) VCF-style: chr16-48396051-G-T.
Other names: c.382C>A, p.Pro128Thr (NM_001006610.2); c.*544G>T (NM_001348078.2); short protein forms P128T, P97T.
Identifiers: ClinVar variation 3774218 (VCV003774218.1).

ClinVar aggregate classification (germline): Uncertain significance (1 of 4 stars; one submission).

Submission:

GeneDx
Classification: Uncertain significance. Last evaluated: 2024-09-19. Review status: criteria provided, single submitter. Criteria: GeneDx Variant Classification Process June 2021. Collection method: clinical testing. Allele origin: germline. Affected: yes.
Comment: Not observed at significant frequency in large population cohorts (gnomAD); In silico analysis supports that this missense variant has a deleterious effect on protein structure/function; Has not been previously published as pathogenic or benign to our knowledge